The following is an entry in ClinVar:

ClinVar aggregate classification (germline): Conflicting classifications of pathogenicity. Review status: criteria provided, conflicting classifications (1 of 4 stars). 2 submissions from 2 submitters: Uncertain significance (1); Likely benign (1). Last evaluated 2022-08-18.

Conditions:
Inborn genetic diseases. Identifiers: MedGen C0950123, MeSH D030342.

Allele frequency attached by ClinVar (database versions not stated): ExAC 0.00004; gnomAD 0.00014 and 0.00015; ESP Exome Variant Server 0.00016; TOPMed 0.00022.
gnomAD v4.1: 58 of 1,612,336 alleles (0.0036%); highest among the groups gnomAD compares: African/African-American, 0.047%; no homozygotes.

Submissions (2):

Labcorp Genetics (formerly Invitae), Labcorp
Classification: Uncertain significance. Last evaluated: 2022-08-18. Review status: criteria provided, single submitter. Criteria: Invitae Variant Classification Sherloc (09022015). Collection method: clinical testing. Allele origin: germline.
Comment: This sequence change replaces isoleucine, which is neutral and non-polar, with valine, which is neutral and non-polar, at codon 462 of the WDR1 protein (p.Ile462Val). This variant is present in population databases (rs368255182, gnomAD 0.06%). This variant has not been reported in the literature in individuals affected with WDR1-related conditions. ClinVar contains an entry for this variant (Variation ID: 1417496). Algorithms developed to predict the effect of missense changes on protein structure and function output the following: SIFT: "Tolerated"; PolyPhen-2: "Benign"; Align-GVGD: "Class C0". The valine amino acid residue is found in multiple mammalian species, which suggests that this missense change does not adversely affect protein function. In summary, the available evidence is currently insufficient to determine the role of this variant in disease. Therefore, it has been classified as a Variant of Uncertain Significance.

Ambry Genetics
Classification: Likely benign for Inborn genetic diseases. Last evaluated: 2022-06-27. Review status: criteria provided, single submitter. Criteria: Ambry Variant Classification Scheme 2023. Collection method: clinical testing. Allele origin: germline.

NM_017491.5(WDR1):c.1384A>G (p.Ile462Val)

Gene: WDR1 (WD repeat domain 1; minus strand). Cytogenetic location: 4p16.1.
Variant type: single nucleotide variant.
Coding change: c.1384A>G on transcript NM_017491.5 (MANE Select); coding-DNA position 1384, A replaced by G.
Protein change: p.Ile462Val; replaces isoleucine 462 with valine.
Molecular consequence: missense variant.
Genome position (GRCh38, 1-based): chr4:10,078,902, T>C on the plus strand (A>G on the coding strand, the complement: WDR1 is on the minus strand). VCF-style: chr4-10078902-T-C. GRCh37 (hg19) VCF-style: chr4-10080526-T-C.
Other names: c.964A>G, p.Ile322Val (NM_005112.5); c.1384A>G (NM_017491.3); short protein forms I462V, I322V.
Identifiers: ClinVar variation 1417496 (VCV001417496.8), dbSNP rs368255182, ClinGen allele CA2857595.
Genomic context (GRCh38, chr4:10,078,902, plus strand): 5'-CACCCAGATACCAAGGACAGAGAGCACGGGGGAGAGGAAAGCGACTTACCACACCCCCAA[T>C]TGCCACCGTGTCCCCGCCGGGGTGCACTGCCACAACTTCGGGCTCGTAGCCGGGGTTGTC-3'
Protein context (NP_059830.1, residues 452-472): AVHPGGDTVA[Ile462Val]GGVDGNVRLY